The following is an entry in ClinVar:

ClinVar aggregate classification (germline): Uncertain significance (1 of 4 stars; one submission).

Conditions:
Gastrointestinal stromal tumor. Also called: Gastrointestinal stromal tumor, somatic; Gastrointestinal stroma tumor. Identifiers: Orphanet 44890, MedGen C0238198, MeSH D046152, MONDO:0011719, OMIM 606764, HP:0100723.

Submission:

Labcorp Genetics (formerly Invitae), Labcorp
Classification: Uncertain significance for Gastrointestinal stromal tumor. Last evaluated: 2020-03-04. Review status: criteria provided, single submitter. Criteria: Invitae Variant Classification Sherloc (09022015). Collection method: clinical testing. Allele origin: germline.
Comment: This sequence change replaces glutamic acid with alanine at codon 711 of the KIT protein (p.Glu711Ala). The glutamic acid residue is highly conserved and there is a moderate physicochemical difference between glutamic acid and alanine. This variant is not present in population databases (ExAC no frequency). This variant has not been reported in the literature in individuals with KIT-related conditions. Algorithms developed to predict the effect of missense changes on protein structure and function output the following: SIFT: "Deleterious"; PolyPhen-2: "Benign"; Align-GVGD: "Class C25". The alanine amino acid residue is found in multiple mammalian species, suggesting that this missense change does not adversely affect protein function. These predictions have not been confirmed by published functional studies and their clinical significance is uncertain. In summary, the available evidence is currently insufficient to determine the role of this variant in disease. Therefore, it has been classified as a Variant of Uncertain Significance.

NM_000222.3(KIT):c.2132A>C (p.Glu711Ala)

Gene: KIT (KIT proto-oncogene, receptor tyrosine kinase; plus strand). Cytogenetic location: 4q12.
Variant type: single nucleotide variant.
Coding change: c.2132A>C on transcript NM_000222.3 (MANE Select); coding-DNA position 2132, A replaced by C.
Protein change: p.Glu711Ala; replaces glutamic acid 711 with alanine.
Molecular consequence: missense variant.
Genome position (GRCh38, 1-based): chr4:54,729,476, A>C. VCF-style: chr4-54729476-A-C. GRCh37 (hg19) VCF-style: chr4-55595642-A-C.
Other names: c.2135A>C, p.Glu712Ala (NM_001385290.1, NM_001385284.1); c.2123A>C, p.Glu708Ala (NM_001385292.1, NM_001385288.1); c.2120A>C, p.Glu707Ala (NM_001385286.1, NM_001093772.2); c.2132A>C, p.Glu711Ala (NM_001385285.1); short protein forms E707A, E708A, E711A, E712A.
Identifiers: ClinVar variation 1005181 (VCV001005181.9), dbSNP rs374262491, ClinGen allele CA356909887.